The following is an entry in ClinVar:

ClinVar aggregate classification (germline): Likely benign (1 of 4 stars; one submission).

gnomAD v4.1: 21 of 1,613,990 alleles (0.0013%); highest among the groups gnomAD compares: Admixed American, 0.035%; no homozygotes.

Submission:

CeGaT Center for Human Genetics Tuebingen
Classification: Likely benign. Last evaluated: 2026-08-01. Review status: criteria provided, single submitter. Criteria: CeGaT Center For Human Genetics Tuebingen Variant Classification Criteria Version 2. Collection method: clinical testing. Allele origin: germline. Affected: yes. Observed: 1 variant allele.
Comment: RFX7: BP4

NM_022841.7(RFX7):c.1481C>T (p.Ser494Leu)

Gene: RFX7 (regulatory factor X7; minus strand). Cytogenetic location: 15q21.3.
Variant type: single nucleotide variant.
Coding change: c.1481C>T on transcript NM_022841.7 (MANE Select); coding-DNA position 1481, C replaced by T.
Protein change: p.Ser494Leu; replaces serine 494 with leucine.
Molecular consequence: missense variant.
Genome position (GRCh38, 1-based): chr15:56,096,247, G>A on the plus strand (C>T on the coding strand, the complement: RFX7 is on the minus strand). VCF-style: chr15-56096247-G-A. GRCh37 (hg19) VCF-style: chr15-56388445-G-A.
Other names: c.1190C>T, p.Ser397Leu (NM_001368073.2, NM_001368074.1, NM_001370554.1); c.1481C>T, p.Ser494Leu (NM_001370561.1); short protein forms S397L, S494L.
Identifiers: ClinVar variation 5039245 (VCV005039245.1).